The following is an entry in ClinVar:

ClinVar aggregate classification (germline): Uncertain significance. Review status: criteria provided, multiple submitters, no conflicts (2 of 4 stars). 4 submissions from 4 submitters: Uncertain significance (4). Last evaluated 2025-08-02.

Conditions:
Age related macular degeneration 1 (ARMD1). Also called: MACULOPATHY, AGE-RELATED, 1. Identifiers: MedGen C1864205, MONDO:0011285, OMIM 603075.

Allele frequency attached by ClinVar (database versions not stated): gnomAD exomes 0.00001 and 0.00002; ExAC 0.00002; gnomAD 0.00003 and 0.00004; TOPMed 0.00005.
gnomAD v4.1: 17 of 1,614,002 alleles (0.0011%); highest among the groups gnomAD compares: Admixed American, 0.0017%; no homozygotes.

Submissions (4):

Ambry Genetics
Classification: Uncertain significance. Last evaluated: 2025-08-02. Review status: criteria provided, single submitter. Criteria: Ambry Variant Classification Scheme 2023. Collection method: clinical testing. Allele origin: germline.

Labcorp Genetics (formerly Invitae), Labcorp
Classification: Uncertain significance. Last evaluated: 2025-03-31. Review status: criteria provided, single submitter. Criteria: Invitae Variant Classification Sherloc (09022015). Collection method: clinical testing. Allele origin: germline.
Comment: This sequence change replaces alanine, which is neutral and non-polar, with valine, which is neutral and non-polar, at codon 5061 of the HMCN1 protein (p.Ala5061Val). This variant is present in population databases (rs754953588, gnomAD 0.007%). This variant has not been reported in the literature in individuals affected with HMCN1-related conditions. ClinVar contains an entry for this variant (Variation ID: 294284). An algorithm developed to predict the effect of missense changes on protein structure and function (PolyPhen-2) suggests that this variant is likely to be disruptive. In summary, the available evidence is currently insufficient to determine the role of this variant in disease. Therefore, it has been classified as a Variant of Uncertain Significance.

Genome-Nilou Lab
Classification: Uncertain significance for Age related macular degeneration 1. Last evaluated: 2023-04-11. Review status: criteria provided, single submitter. Criteria: ACMG Guidelines, 2015. Collection method: clinical testing. Allele origin: germline. Affected: no.

Illumina Laboratory Services, Illumina
Classification: Uncertain significance for Age related macular degeneration 1. Last evaluated: 2018-01-13. Review status: criteria provided, single submitter. Criteria: ICSL Variant Classification Criteria 13 December 2019. Collection method: clinical testing. Allele origin: germline.

NM_031935.3(HMCN1):c.15182C>T (p.Ala5061Val)

Gene: HMCN1 (hemicentin 1; plus strand). Cytogenetic location: 1q31.1.
Variant type: single nucleotide variant.
Coding change: c.15182C>T on transcript NM_031935.3 (MANE Select); coding-DNA position 15182, C replaced by T.
Protein change: p.Ala5061Val; replaces alanine 5061 with valine.
Molecular consequence: missense variant.
Genome position (GRCh38, 1-based): chr1:186,153,913, C>T. VCF-style: chr1-186153913-C-T. GRCh37 (hg19) VCF-style: chr1-186123045-C-T.
Other names: short protein forms A5061V.
Identifiers: ClinVar variation 294284 (VCV000294284.12), dbSNP rs754953588, ClinGen allele CA1295169.
Genomic context (GRCh38, chr1:186,153,913, plus strand): 5'-ACACCGTTTTCTATGATCAGGCACAGGGAAGAATGCCTTTCTTGGTTGAAACACTTCATG[C>T]ATCCTCTGTGGAATCTGACTATAACCAGATAGAAGAGACACTGGGTTTTAAAATTCATGC-3'
Protein context (NP_114141.2, residues 5051-5071): RMPFLVETLH[Ala5061Val]SSVESDYNQI